The following is an entry in ClinVar:

ClinVar aggregate classification (germline): Uncertain significance (1 of 4 stars; one submission).

Conditions:
Dextro-looped transposition of the great arteries. Also called: Dextrotransposition of the great arteries. Identifiers: Orphanet 860, MedGen C3531771, MONDO:0019443, OMIM 608808, HP:0031348.

Submission:

Labcorp Genetics (formerly Invitae), Labcorp
Classification: Uncertain significance for Dextro-looped transposition of the great arteries. Last evaluated: 2023-02-02. Review status: criteria provided, single submitter. Criteria: Invitae Variant Classification Sherloc (09022015). Collection method: clinical testing. Allele origin: germline.
Comment: This sequence change replaces alanine, which is neutral and non-polar, with threonine, which is neutral and polar, at codon 1574 of the MED13L protein (p.Ala1574Thr). In summary, the available evidence is currently insufficient to determine the role of this variant in disease. Therefore, it has been classified as a Variant of Uncertain Significance. Advanced modeling of protein sequence and biophysical properties (such as structural, functional, and spatial information, amino acid conservation, physicochemical variation, residue mobility, and thermodynamic stability) performed at Invitae indicates that this missense variant is not expected to disrupt MED13L protein function. This variant has not been reported in the literature in individuals affected with MED13L-related conditions. This variant is not present in population databases (gnomAD no frequency).

NM_015335.5(MED13L):c.4720G>A (p.Ala1574Thr)

Gene: MED13L (mediator complex subunit 13L; minus strand). Cytogenetic location: 12q24.21.
Variant type: single nucleotide variant.
Coding change: c.4720G>A on transcript NM_015335.5 (MANE Select); coding-DNA position 4720, G replaced by A.
Protein change: p.Ala1574Thr; replaces alanine 1574 with threonine.
Molecular consequence: missense variant.
Genome position (GRCh38, 1-based): chr12:115,983,352, C>T on the plus strand (G>A on the coding strand, the complement: MED13L is on the minus strand). VCF-style: chr12-115983352-C-T. GRCh37 (hg19) VCF-style: chr12-116421157-C-T.
Other names: short protein forms A1574T.
Identifiers: ClinVar variation 2833833 (VCV002833833.3), dbSNP rs995747127, ClinGen allele CA386883021.